The following is an entry in ClinVar:

ClinVar aggregate classification (germline): Conflicting classifications of pathogenicity. Review status: criteria provided, conflicting classifications (1 of 4 stars). 4 submissions from 4 submitters: Uncertain significance (1); Benign (1); Likely benign (2). Last evaluated 2025-03-11.

Conditions:
Pheochromocytoma/paraganglioma syndrome 5. Also called: Paragangliomas 5; SDHA-Related Hereditary Paraganglioma-Pheochromocytoma Syndrome. Identifiers: Orphanet 29072, MedGen C3279992, MONDO:0013602, OMIM 614165.
Mitochondrial complex II deficiency, nuclear type 1. Also called: SUCCINATE CoQ REDUCTASE DEFICIENCY. Identifiers: Orphanet 3208, MedGen C5700310, MONDO:0100294, OMIM 252011.
Hereditary cancer-predisposing syndrome. Also called: Tumor predisposition; Hereditary Cancer Syndrome; Hereditary neoplastic syndrome; Neoplastic Syndromes, Hereditary. Identifiers: Orphanet 140162, MedGen C0027672, MeSH D009386, MONDO:0015356.

Submissions (4):

Myriad Genetics, Inc.
Classification: Benign for Pheochromocytoma/paraganglioma syndrome 5. Last evaluated: 2025-03-11. Review status: criteria provided, single submitter. Criteria: Myriad Autosomal Dominant, Autosomal Recessive and X-Linked Classification Criteria (2023). Collection method: clinical testing. Allele origin: unknown.
Comment: This variant is considered benign. This variant is a silent/synonymous amino acid change and it is not expected to impact splicing.

Ambry Genetics
Classification: Likely benign for Hereditary cancer-predisposing syndrome. Last evaluated: 2022-06-05. Review status: criteria provided, single submitter. Criteria: Ambry Variant Classification Scheme 2023. Collection method: clinical testing. Allele origin: germline.

Quest Diagnostics Nichols Institute San Juan Capistrano
Classification: Uncertain significance. Last evaluated: 2021-07-13. Review status: criteria provided, single submitter. Criteria: Quest Diagnostics criteria. Collection method: clinical testing. Allele origin: unknown.
Comment: This variant has not been reported in the published literature. Analysis of this variant using software algorithms for the prediction of the effect of nucleotide changes on splicing yielded predictions that this variant does not affect SDHA mRNA splicing . Based on the available information, we are unable to determine the clinical significance of this variant.

Labcorp Genetics (formerly Invitae), Labcorp
Classification: Likely benign for Pheochromocytoma/paraganglioma syndrome 5; Mitochondrial complex II deficiency, nuclear type 1. Last evaluated: 2021-01-02. Review status: criteria provided, single submitter. Criteria: Invitae Variant Classification Sherloc (09022015). Collection method: clinical testing. Allele origin: germline.

NM_004168.4(SDHA):c.1896T>C (p.Val632=)

Gene: SDHA (succinate dehydrogenase complex flavoprotein subunit A; plus strand). Cytogenetic location: 5p15.33.
Variant type: single nucleotide variant.
Coding change: c.1896T>C on transcript NM_004168.4 (MANE Select); coding-DNA position 1896, T replaced by C.
Protein change: p.Val632=; no amino-acid change (valine 632 retained).
Molecular consequence: synonymous variant.
Genome position (GRCh38, 1-based): chr5:254,494, T>C. VCF-style: chr5-254494-T-C. GRCh37 (hg19) VCF-style: chr5-254609-T-C.
Other names: c.1896T>C (NM_004168.3); c.1752T>C, p.Val584= (NM_001294332.2); c.1653T>C, p.Val551= (NM_001330758.2).
Identifiers: ClinVar variation 1622746 (VCV001622746.13), dbSNP rs1554002492, ClinGen allele CA359002235.
Genomic context (GRCh38, chr5:254,494, plus strand): 5'-GCAACAGAAGAAGCCCTTTGAGGAGCACTGGAGGAAGCACACCCTGTCCTATGTGGACGT[T>C]GGCACTGGGAAGGTCAGTGTGGAGCTCGTTCTCACCACAGCCCAGCACCCACACGGCCCC-3'
Protein context (NP_004159.2, residues 622-642): WRKHTLSYVD[Val632=]GTGKVTLEYR